The following is an entry in ClinVar:

ClinVar aggregate classification (germline): Uncertain significance (1 of 4 stars; one submission).

Conditions:
Hereditary cancer-predisposing syndrome. Also called: Hereditary neoplastic syndrome; Neoplastic Syndromes, Hereditary; Tumor predisposition; Hereditary Cancer Syndrome. Identifiers: Orphanet 140162, MedGen C0027672, MeSH D009386, MONDO:0015356.

Submission:

Ambry Genetics
Classification: Uncertain significance for Hereditary cancer-predisposing syndrome. Last evaluated: 2025-07-08. Review status: criteria provided, single submitter. Criteria: Ambry Variant Classification Scheme 2023. Collection method: clinical testing. Allele origin: germline.
Comment: The c.220G>A variant (also known as p.E74K), located in coding exon 3 of the POLE gene, results from a G to A substitution at nucleotide position 220. The glutamic acid at codon 74 is replaced by lysine, an amino acid with similar properties. This nucleotide position is highly conserved in available vertebrate species. In silico splice site analysis for this alteration is inconclusive. RNA studies have demonstrated that this alteration results in a transcript predicted to lead to a protein with an in-frame deletion of 27 amino acids; however, the exact functional impact of the deleted amino acids is unknown at this time (Ambry internal data). Based on the available evidence, the clinical significance of this variant remains unclear.

NM_006231.4(POLE):c.220G>A (p.Glu74Lys)

Gene: POLE (DNA polymerase epsilon, catalytic subunit; minus strand). Cytogenetic location: 12q24.33.
Variant type: single nucleotide variant.
Coding change: c.220G>A on transcript NM_006231.4 (MANE Select); coding-DNA position 220, G replaced by A.
Protein change: p.Glu74Lys; replaces glutamic acid 74 with lysine.
Molecular consequence: missense variant.
Genome position (GRCh38, 1-based): chr12:132,680,672, C>T on the plus strand (G>A on the coding strand, the complement: POLE is on the minus strand). VCF-style: chr12-132680672-C-T. GRCh37 (hg19) VCF-style: chr12-133257258-C-T.
Other names: short protein forms E74K.
Identifiers: ClinVar variation 4141127 (VCV004141127.1).
Genomic context (GRCh38, chr12:132,680,672, plus strand): 5'-ATCTGCTTCCGTCATCTTGAATAAAGTAGTAATCCACTGCACTGCCTAAGCGCTTATCTT[C>T]ATCTAAAATCTCGGTCTACAAGAGAATCAGTCAACACAGACACAAGACCATCCTCTACAC-3'
Protein context (NP_006222.2, residues 64-84): INMHPTEILD[Glu74Lys]DKRLGSAVDY